The following is an entry in ClinVar:

NM_133642.5(LARGE1):c.*796C>T

Gene: LARGE1 (LARGE xylosyl- and glucuronyltransferase 1; minus strand). Cytogenetic location: 22q12.3.
Variant type: single nucleotide variant.
Coding change: c.*796C>T on transcript NM_133642.5 (MANE Select); 796 bases downstream of the stop codon, C replaced by T.
Molecular consequence: 3 prime UTR variant.
Genome position (GRCh38, 1-based): chr22:33,273,631, G>A on the plus strand (C>T on the coding strand, the complement: LARGE1 is on the minus strand). VCF-style: chr22-33273631-G-A. GRCh37 (hg19) VCF-style: chr22-33669617-G-A.
Other names: c.*796C>T (NM_001362949.2, NM_001362951.2, NM_001362953.2 and 9 more transcripts).
Identifiers: ClinVar variation 341420 (VCV000341420.5), dbSNP rs144150303, ClinGen allele CA10653439.
Genomic context (GRCh38, chr22:33,273,631, plus strand): 5'-CCCCATCGCTATAGCCCCTGGATTCTGGAGAGTAGGGAGTTCAAAGTCACGGGAGCCTCG[G>A]TGATCATCCTGAAGGAAGCTGCCCATGTTTAAATATCGGCCGAAGATGCTTGACCTCCTT-3'

ClinVar aggregate classification (germline): Likely benign. Review status: criteria provided, single submitter (1 of 4 stars). 2 submissions from 1 submitter: Likely benign (2). Last evaluated 2018-01-13.

Conditions:
Muscular dystrophy-dystroglycanopathy (congenital with brain and eye anomalies), type A6. Also called: MUSCULAR DYSTROPHY-DYSTROGLYCANOPATHY (CONGENITAL WITH BRAIN AND EYE ANOMALIES), TYPE A, 6; WALKER-WARBURG SYNDROME OR MUSCLE-EYE-BRAIN DISEASE, LARGE-RELATED. Identifiers: Orphanet 588, Orphanet 899, MedGen C3150414, MONDO:0013158, OMIM 613154.
Muscular dystrophy-dystroglycanopathy type B6 (MDDGB6). Also called: MUSCULAR DYSTROPHY, CONGENITAL, LARGE-RELATED; MUSCULAR DYSTROPHY, CONGENITAL, TYPE 1D; MUSCULAR DYSTROPHY-DYSTROGLYCANOPATHY (CONGENITAL WITH IMPAIRED INTELLECTUAL DEVELOPMENT), TYPE B, 6. Identifiers: MedGen C1837229, MONDO:0012138, OMIM 608840.

Allele frequency attached by ClinVar (database versions not stated): gnomAD 0.00035 and 0.00046; TOPMed 0.00041; gnomAD exomes 0.00045; 1000 Genomes Project 0.00319; 1000 Genomes Project 30x 0.00344.
gnomAD v4.1: 206 of 398,864 alleles (0.052%); highest among the groups gnomAD compares: East Asian, 0.59%; 1 homozygote.

Submissions (2):

Illumina Laboratory Services, Illumina
Classification: Likely benign for Muscular dystrophy-dystroglycanopathy (congenital with brain and eye anomalies), type A6. Last evaluated: 2018-01-13. Review status: criteria provided, single submitter. Criteria: ICSL Variant Classification Criteria 13 December 2019. Collection method: clinical testing. Allele origin: germline.
Comment: This variant was observed in the ICSL laboratory as part of a predisposition screen in an ostensibly healthy population. It had not been previously curated by ICSL or reported in the Human Gene Mutation Database (HGMD: prior to June 1st, 2018), and was therefore a candidate for classification through an automated scoring system. Utilizing variant allele frequency, disease prevalence and penetrance estimates, and inheritance mode, an automated score was calculated to assess if this variant is too frequent to cause the disease. Based on the score and internal cut-off values, a variant classified as likely benign is not then subjected to further curation. The score for this variant resulted in a classification of likely benign for this disease.

Illumina Laboratory Services, Illumina
Classification: Likely benign for Muscular dystrophy-dystroglycanopathy type B6. Last evaluated: 2018-01-13. Review status: criteria provided, single submitter. Criteria: ICSL Variant Classification Criteria 13 December 2019. Collection method: clinical testing. Allele origin: germline.
Comment: the same text as in the submission from Illumina Laboratory Services, Illumina above.